The following is an entry in ClinVar:

NM_000439.5(PCSK1):c.1588+2T>C

Genes: CAST (calpastatin; plus strand), PCSK1 (proprotein convertase subtilisin/kexin type 1; minus strand), LOC101929710 (uncharacterized LOC101929710; plus strand). Cytogenetic location: 5q15.
Variant type: single nucleotide variant.
Coding change: c.1588+2T>C on transcript NM_000439.5 (MANE Select); the canonical splice donor site of the intron after coding-DNA position 1588, T replaced by C.
Molecular consequence: splice donor variant. On other transcripts: intron variant (11).
Genome position (GRCh38, 1-based): chr5:96,398,877, A>G on the plus strand (T>C on the coding strand, the complement: PCSK1 is on the minus strand). VCF-style: chr5-96398877-A-G. GRCh37 (hg19) VCF-style: chr5-95734581-A-G.
Other names: c.-175+19225A>G (NM_001423254.1, NM_001423259.1, NM_001423255.1 and 6 more transcripts); c.-103+19225A>G (NM_001423253.1); c.-40+19225A>G (NM_001423258.1); c.1447+2T>C (NM_001177875.2).
Identifiers: ClinVar variation 4982126 (VCV004982126.1).

ClinVar aggregate classification (germline): Uncertain significance (1 of 4 stars; one submission).

Conditions:
PCSK1-related disorder. Also called: PCSK1-related condition.

gnomAD v4.1: 3 of 1,611,988 alleles (0.00019%); highest among the groups gnomAD compares: African/African-American, 0.004%; no homozygotes.

Submission:

PreventionGenetics, part of Exact Sciences
Classification: Uncertain significance for PCSK1-related condition. Last evaluated: 2025-06-16. Review status: criteria provided, single submitter. Criteria: ACMG Guidelines, 2015. Collection method: clinical testing. Allele origin: germline.
Comment: The PCSK1 c.1588+2T>C variant is predicted to disrupt the GT donor site and interfere with normal splicing. To our knowledge, this variant has not been reported in the literature. This variant is reported in 0.012% of alleles in individuals of African descent in gnomAD. Although we suspect that this variant may be pathogenic, at this time, the clinical significance of this variant is uncertain due to the absence of conclusive functional and genetic evidence.